The following is an entry in ClinVar:

ClinVar aggregate classification (germline): VUS-high (1 of 4 stars; one submission).

Conditions:
Nephrotic syndrome. Identifiers: MedGen C0027726, MONDO:0005377, HP:0000100.

Submission:

Center for Precision Genome Editing and Genetic Technologies for Biomedicine, Pirogov Russian National Research Medical University
Classification: VUS-high for Nephrotic syndrome. Last evaluated: 2025-12-15. Review status: criteria provided, single submitter. Criteria: ACMG Guidelines, 2015. Collection method: clinical testing. Allele origin: unknown. Inheritance: Autosomal dominant inheritance. Affected: yes. Observed: 3 variant alleles, 3 heterozygotes. Clinical features observed: nephrotic syndrome, Focal segmental glomerulosclerosis.
Comment: The variant is rare in the population, with a gnomAD v4.1 frequency of 0.0000006196 (PM2_supporting). The REVEL score is 0.94 (PP3_Strong).

Literature cited by the submitters: DOI 10.1016/j.kint.2023.11.032.

NM_004474.4(FOXD2):c.526C>T (p.Arg176Cys)

Gene: FOXD2 (forkhead box D2; plus strand). Cytogenetic location: 1p33.
Variant type: single nucleotide variant.
Coding change: c.526C>T on transcript NM_004474.4 (MANE Select); coding-DNA position 526, C replaced by T.
Protein change: p.Arg176Cys; replaces arginine 176 with cysteine.
Molecular consequence: missense variant.
Genome position (GRCh38, 1-based): chr1:47,438,661, C>T. VCF-style: chr1-47438661-C-T. GRCh37 (hg19) VCF-style: chr1-47904333-C-T.
Other names: short protein forms R176C.
Identifiers: ClinVar variation 4813676 (VCV004813676.1).